The following is an entry in ClinVar:

ClinVar aggregate classification (germline): Uncertain significance (1 of 4 stars; one submission).

Conditions:
Schuurs-Hoeijmakers syndrome. Also called: PACS1-Related Neurodevelopmental Disorder. Identifiers: Orphanet 329224, MedGen C3554343, MONDO:0014006, OMIM 615009.

Submission:

Labcorp Genetics (formerly Invitae), Labcorp
Classification: Uncertain significance for Schuurs-Hoeijmakers syndrome. Last evaluated: 2023-01-24. Review status: criteria provided, single submitter. Criteria: Invitae Variant Classification Sherloc (09022015). Collection method: clinical testing. Allele origin: germline.
Comment: In summary, the available evidence is currently insufficient to determine the role of this variant in disease. Therefore, it has been classified as a Variant of Uncertain Significance. Advanced modeling of protein sequence and biophysical properties (such as structural, functional, and spatial information, amino acid conservation, physicochemical variation, residue mobility, and thermodynamic stability) performed at Invitae indicates that this missense variant is not expected to disrupt PACS1 protein function. This variant has not been reported in the literature in individuals affected with PACS1-related conditions. This variant is present in population databases (no rsID available, gnomAD 0.003%). This sequence change replaces leucine, which is neutral and non-polar, with phenylalanine, which is neutral and non-polar, at codon 424 of the PACS1 protein (p.Leu424Phe).

NM_018026.4(PACS1):c.1270C>T (p.Leu424Phe)

Gene: PACS1 (phosphofurin acidic cluster sorting protein 1; plus strand). Cytogenetic location: 11q13.2.
Variant type: single nucleotide variant.
Coding change: c.1270C>T on transcript NM_018026.4 (MANE Select); coding-DNA position 1270, C replaced by T.
Protein change: p.Leu424Phe; replaces leucine 424 with phenylalanine.
Molecular consequence: missense variant.
Genome position (GRCh38, 1-based): chr11:66,221,224, C>T. VCF-style: chr11-66221224-C-T. GRCh37 (hg19) VCF-style: chr11-65988695-C-T.
Other names: short protein forms L424F.
Identifiers: ClinVar variation 2037730 (VCV002037730.4), dbSNP rs1370851085, ClinGen allele CA381360405.